The following is an entry in ClinVar:

NM_024577.4(SH3TC2):c.3110T>A (p.Leu1037Gln)

Gene: SH3TC2 (SH3 domain and tetratricopeptide repeats 2; minus strand). Cytogenetic location: 5q32.
Variant type: single nucleotide variant.
Coding change: c.3110T>A on transcript NM_024577.4 (MANE Select); coding-DNA position 3110, T replaced by A.
Protein change: p.Leu1037Gln; replaces leucine 1037 with glutamine.
Molecular consequence: missense variant.
Genome position (GRCh38, 1-based): chr5:149,012,678, A>T on the plus strand (T>A on the coding strand, the complement: SH3TC2 is on the minus strand). VCF-style: chr5-149012678-A-T. GRCh37 (hg19) VCF-style: chr5-148392241-A-T.
Other names: short protein forms L1037Q.
Identifiers: ClinVar variation 665418 (VCV000665418.8), dbSNP rs1580891410, ClinGen allele CA361663060.
Genomic context (GRCh38, chr5:149,012,678, plus strand): 5'-ATGAGGTAGTGGAGTCGCCCCGCCCCAAGCCAGGCCTCAGCAGCCTTGTCTGTCTCCCCC[A>T]GGTCAATGAAGATACGCAGGCTCTCCTTGATGCATGTGAGTGACCTCCTGAGGGACCTGG-3'
Protein context (NP_078853.2, residues 1027-1047): IKESLRIFID[Leu1037Gln]GETDKAAEAW

ClinVar aggregate classification (germline): Uncertain significance (1 of 4 stars; one submission).

Conditions:
Charcot-Marie-Tooth disease type 4. Also called: Charcot-Marie-Tooth, Type 4; Charcot-Marie-Tooth disease, type IV. Identifiers: Orphanet 64749, MedGen C4082197, MONDO:0018995.

Submission:

Labcorp Genetics (formerly Invitae), Labcorp
Classification: Uncertain significance for Charcot-Marie-Tooth disease type 4. Last evaluated: 2018-10-26. Review status: criteria provided, single submitter. Criteria: Invitae Variant Classification Sherloc (09022015). Collection method: clinical testing. Allele origin: germline.
Comment: This sequence change replaces leucine with glutamine at codon 1037 of the SH3TC2 protein (p.Leu1037Gln). The leucine residue is highly conserved and there is a moderate physicochemical difference between leucine and glutamine. This variant is not present in population databases (ExAC no frequency). In summary, the available evidence is currently insufficient to determine the role of this variant in disease. Therefore, it has been classified as a Variant of Uncertain Significance. Algorithms developed to predict the effect of sequence changes on RNA splicing suggest that this variant may create or strengthen a splice site, but this prediction has not been confirmed by published transcriptional studies. Algorithms developed to predict the effect of missense changes on protein structure and function (SIFT, PolyPhen-2, Align-GVGD) all suggest that this variant is likely to be disruptive, but these predictions have not been confirmed by published functional studies and their clinical significance is uncertain. This variant has not been reported in the literature in individuals with SH3TC2-related disease.